The following is an entry in ClinVar:

ClinVar aggregate classification (germline): Pathogenic. Review status: reviewed by expert panel (3 of 4 stars). 4 submissions from 4 submitters: Pathogenic (1). 3 of the submissions do not count toward it. Last evaluated 2020-06-26.

Conditions:
Phenylketonuria (PKU). Also called: Phenylketonuria (PKU); Phenylketonurias; OLIGOPHRENIA PHENYLPYRUVICA; FOLLING DISEASE. Identifiers: Orphanet 716, MedGen C0031485, MONDO:0009861, OMIM 261600. Disease mechanism: loss of function.

Submissions (4):

ClinGen PAH Variant Curation Expert Panel
Classification: Pathogenic for Phenylketonuria. Last evaluated: 2020-06-26. Review status: reviewed by expert panel. Criteria: ClinGen PAH ACMG Specifications v1. Collection method: curation. Allele origin: germline. Inheritance: Autosomal recessive inheritance.
Comment: BH4 deficiency excluded (PP4_Moderate; PMID: 8097261; (PMID: 9634518). This variant is absent in population databases (PM2). It is a nonsense variant in exon 11 of 13 in PAH, predicted to undergo nonsense mediated decay with the truncated region critical to protein function (PVS1). In summary, this variant meets criteria to be classified as pathogenic for PAH. PAH-specific ACMG/AMP criteria applied: PVS1, PM2, PP4_Moderate.

Labcorp Genetics (formerly Invitae), Labcorp
Classification: Pathogenic for Phenylketonuria. Last evaluated: 2023-01-30. Review status: criteria provided, single submitter. Criteria: Invitae Variant Classification Sherloc (09022015). Collection method: clinical testing. Allele origin: germline. Not counted in ClinVar's aggregate classification.
Comment: This sequence change creates a premature translational stop signal (p.Ser359*) in the PAH gene. It is expected to result in an absent or disrupted protein product. Loss-of-function variants in PAH are known to be pathogenic (PMID: 1301187, 9634518). For these reasons, this variant has been classified as Pathogenic. ClinVar contains an entry for this variant (Variation ID: 626). This premature translational stop signal has been observed in individual(s) with phenylketonuria (PMID: 8097261, 32668217). This variant is not present in population databases (gnomAD no frequency).

OMIM
Classification: Pathogenic for PHENYLKETONURIA. Last evaluated: 1993-03-01. Review status: no assertion criteria provided. Collection method: literature only. Allele origin: germline. Not counted in ClinVar's aggregate classification.

DeBelle Laboratory for Biochemical Genetics, MUHC/MCH RESEARCH INSTITUTE
No classification provided. Review status: no classification provided. Collection method: not provided. Allele origin: not provided. Not counted in ClinVar's aggregate classification.

Literature cited by the submitters: PubMed 9634518 (cited by ClinGen PAH Variant Curation Expert Panel and Labcorp Genetics (formerly Invitae), Labcorp); PubMed 8097261 (cited by 3 submitters); PubMed 1301187 (cited by Labcorp Genetics (formerly Invitae), Labcorp); PubMed 32668217 (cited by Labcorp Genetics (formerly Invitae), Labcorp).

NM_000277.3(PAH):c.1076C>G (p.Ser359Ter)

Gene: PAH (phenylalanine hydroxylase; minus strand). Cytogenetic location: 12q23.2.
Variant type: single nucleotide variant.
Coding change: c.1076C>G on transcript NM_000277.3 (MANE Select); coding-DNA position 1076, C replaced by G.
Protein change: p.Ser359Ter; replaces serine 359 with a stop codon.
Molecular consequence: nonsense.
Genome position (GRCh38, 1-based): chr12:102,843,769, G>C on the plus strand (C>G on the coding strand, the complement: PAH is on the minus strand). VCF-style: chr12-102843769-G-C. GRCh37 (hg19) VCF-style: chr12-103237547-G-C.
Other names: c.1076C>G, p.Ser359Ter (NM_001354304.2); short protein forms S359*.
Identifiers: ClinVar variation 626 (VCV000000626.86), dbSNP rs5030854, ClinGen allele CA229330.